The following is an entry in ClinVar:

NM_001099403.2(PRDM8):c.428C>T (p.Ser143Phe)

Genes: PRDM8 (PR/SET domain 8; plus strand), LOC126807094 (CDK7 strongly-dependent group 2 enhancer GRCh37_chr4:81121978-81123177; plus strand). Cytogenetic location: 4q21.21.
Variant type: single nucleotide variant.
Coding change: c.428C>T on transcript NM_001099403.2 (MANE Select); coding-DNA position 428, C replaced by T.
Protein change: p.Ser143Phe; replaces serine 143 with phenylalanine.
Molecular consequence: missense variant.
Genome position (GRCh38, 1-based): chr4:80,201,498, C>T. VCF-style: chr4-80201498-C-T. GRCh37 (hg19) VCF-style: chr4-81122652-C-T.
Other names: c.428C>T, p.Ser143Phe (NM_020226.4); short protein forms S143F.
Identifiers: ClinVar variation 1055077 (VCV001055077.6), dbSNP rs1319426778, ClinGen allele CA357393550.

ClinVar aggregate classification (germline): Uncertain significance (1 of 4 stars; one submission).

Conditions:
Early-onset Lafora body disease. Also called: Epilepsy, progressive myoclonic, 10. Identifiers: Orphanet 324290, MedGen C4225258, MONDO:0014717, OMIM 616640.

Allele frequency attached by ClinVar (database versions not stated): gnomAD 0.00001.
gnomAD v4.1: 2 of 1,613,928 alleles (0.00012%); highest among the groups gnomAD compares: African/African-American, 0.0027%; no homozygotes.

Submission:

Labcorp Genetics (formerly Invitae), Labcorp
Classification: Uncertain significance for Early-onset Lafora body disease. Last evaluated: 2021-09-01. Review status: criteria provided, single submitter. Criteria: Invitae Variant Classification Sherloc (09022015). Collection method: clinical testing. Allele origin: germline.
Comment: This sequence change replaces serine with phenylalanine at codon 143 of the PRDM8 protein (p.Ser143Phe). The serine residue is moderately conserved and there is a large physicochemical difference between serine and phenylalanine. This variant is not present in population databases (ExAC no frequency). This variant has not been reported in the literature in individuals affected with PRDM8-related conditions. Algorithms developed to predict the effect of missense changes on protein structure and function are either unavailable or do not agree on the potential impact of this missense change (SIFT: "Deleterious"; PolyPhen-2: "Probably Damaging"; Align-GVGD: "Class C0"). In summary, the available evidence is currently insufficient to determine the role of this variant in disease. Therefore, it has been classified as a Variant of Uncertain Significance.